The following is an entry in ClinVar:

ClinVar aggregate classification (germline): Pathogenic (1 of 4 stars; one submission).

Conditions:
PHGDH deficiency. Identifiers: Orphanet 79351, MedGen C1866174, MONDO:0011152, OMIM 601815.

Submission:

Labcorp Genetics (formerly Invitae), Labcorp
Classification: Pathogenic for PHGDH deficiency. Last evaluated: 2022-12-19. Review status: criteria provided, single submitter. Criteria: Invitae Variant Classification Sherloc (09022015). Collection method: clinical testing. Allele origin: germline.
Comment: For these reasons, this variant has been classified as Pathogenic. This variant has not been reported in the literature in individuals affected with PHGDH-related conditions. This variant is not present in population databases (gnomAD no frequency). This sequence change creates a premature translational stop signal (p.Lys129*) in the PHGDH gene. It is expected to result in an absent or disrupted protein product. Loss-of-function variants in PHGDH are known to be pathogenic (PMID: 14645240, 24836451).

Literature cited by the submitters: PubMed 14645240; PubMed 24836451.

NM_006623.4(PHGDH):c.385A>T (p.Lys129Ter)

Gene: PHGDH (phosphoglycerate dehydrogenase; plus strand). Cytogenetic location: 1p12.
Variant type: single nucleotide variant.
Coding change: c.385A>T on transcript NM_006623.4 (MANE Select); coding-DNA position 385, A replaced by T.
Protein change: p.Lys129Ter; replaces lysine 129 with a stop codon.
Molecular consequence: nonsense.
Genome position (GRCh38, 1-based): chr1:119,726,879, A>T. VCF-style: chr1-119726879-A-T. GRCh37 (hg19) VCF-style: chr1-120269502-A-T.
Other names: short protein forms K129*.
Identifiers: ClinVar variation 2822145 (VCV002822145.3), dbSNP rs2464112014, ClinGen allele CA341847585.